The following is an entry in ClinVar:

ClinVar aggregate classification (germline): Likely benign (1 of 4 stars; one submission).

gnomAD v4.1: 12 of 1,614,074 alleles (0.00074%); highest among the groups gnomAD compares: South Asian, 0.012%; no homozygotes.

Submission:

Mayo Clinic Laboratories, Mayo Clinic
Classification: Likely benign. Last evaluated: 2025-10-19. Review status: criteria provided, single submitter. Criteria: ACMG Guidelines, 2015. Collection method: clinical testing. Allele origin: germline. Observed: 1 variant allele.
Comment: BP4, BP7

NM_015378.4(VPS13D):c.3171A>G (p.Thr1057=)

Gene: VPS13D (vacuolar protein sorting 13 homolog D; plus strand). Cytogenetic location: 1p36.22.
Variant type: single nucleotide variant.
Coding change: c.3171A>G on transcript NM_015378.4 (MANE Select); coding-DNA position 3171, A replaced by G.
Protein change: p.Thr1057=; no amino-acid change (threonine 1057 retained).
Molecular consequence: synonymous variant.
Genome position (GRCh38, 1-based): chr1:12,276,759, A>G. VCF-style: chr1-12276759-A-G. GRCh37 (hg19) VCF-style: chr1-12336816-A-G.
Other names: p.Thr1057=; c.3171A>G, p.Thr1057= (NM_018156.4).
Identifiers: ClinVar variation 4684627 (VCV004684627.1).